The following is an entry in ClinVar:

NM_000059.4(BRCA2):c.7069C>G (p.Leu2357Val)

Gene: BRCA2 (BRCA2 DNA repair associated; plus strand). Cytogenetic location: 13q13.1.
Variant type: single nucleotide variant.
Coding change: c.7069C>G on transcript NM_000059.4 (MANE Select); coding-DNA position 7069, C replaced by G.
Protein change: p.Leu2357Val; replaces leucine 2357 with valine.
Molecular consequence: missense variant.
Genome position (GRCh38, 1-based): chr13:32,354,922, C>G. VCF-style: chr13-32354922-C-G. GRCh37 (hg19) VCF-style: chr13-32929059-C-G.
Other names: short protein forms L2357V.
Identifiers: ClinVar variation 489778 (VCV000489778.51), dbSNP rs1316815571, ClinGen allele CA387738383.

ClinVar aggregate classification (germline): Uncertain significance. Review status: criteria provided, multiple submitters, no conflicts (2 of 4 stars). 4 submissions from 4 submitters: Uncertain significance (4). Last evaluated 2023-12-05.

Conditions:
Hereditary breast ovarian cancer syndrome. Also called: Breast and ovarian cancer; Hereditary breast and/or ovarian cancer syndrome; Hereditary breast and ovarian cancer syndrome (HBOC); Hereditary breast and ovarian cancer; BRCA1- and BRCA2-Associated Hereditary Breast and Ovarian Cancer; Hereditary breast and ovarian cancer syndrome. Identifiers: Orphanet 145, MedGen C0677776, MeSH D061325, MONDO:0003582. Disease mechanism: loss of function.
Hereditary cancer-predisposing syndrome. Also called: Hereditary neoplastic syndrome; Neoplastic Syndromes, Hereditary; Hereditary Cancer Syndrome; Tumor predisposition. Identifiers: Orphanet 140162, MedGen C0027672, MeSH D009386, MONDO:0015356.

Submissions (4):

Color Diagnostics, LLC DBA Color Health
Classification: Uncertain significance for Hereditary cancer-predisposing syndrome. Last evaluated: 2023-12-05. Review status: criteria provided, single submitter. Criteria: ACMG Guidelines, 2015. Collection method: clinical testing. Allele origin: germline.
Comment: This missense variant replaces leucine with valine at codon 2357 of the BRCA2 protein. Computational prediction suggests that this variant may not impact protein structure and function (internally defined REVEL score threshold <= 0.5, PMID: 27666373). To our knowledge, functional studies have not been reported for this variant. This variant has not been reported in individuals affected with BRCA2-related disorders in the literature. This variant has not been identified in the general population by the Genome Aggregation Database (gnomAD). The available evidence is insufficient to determine the role of this variant in disease conclusively. Therefore, this variant is classified as a Variant of Uncertain Significance.

CeGaT Center for Human Genetics Tuebingen
Classification: Uncertain significance. Last evaluated: 2021-08-01. Review status: criteria provided, single submitter. Criteria: CeGaT Center For Human Genetics Tuebingen Variant Classification Criteria Version 2. Collection method: clinical testing. Allele origin: germline. Affected: yes. Observed: 1 variant allele.

Labcorp Genetics (formerly Invitae), Labcorp
Classification: Uncertain significance for Hereditary breast ovarian cancer syndrome. Last evaluated: 2021-04-20. Review status: criteria provided, single submitter. Criteria: Invitae Variant Classification Sherloc (09022015). Collection method: clinical testing. Allele origin: germline.
Comment: This variant is not present in population databases (ExAC no frequency). This sequence change replaces leucine with valine at codon 2357 of the BRCA2 protein (p.Leu2357Val). The leucine residue is moderately conserved and there is a small physicochemical difference between leucine and valine. In summary, the available evidence is currently insufficient to determine the role of this variant in disease. Therefore, it has been classified as a Variant of Uncertain Significance. Advanced modeling of protein sequence and biophysical properties (such as structural, functional, and spatial information, amino acid conservation, physicochemical variation, residue mobility, and thermodynamic stability) performed at Invitae indicates that this missense variant is not expected to disrupt BRCA2 protein function. This variant has not been reported in the literature in individuals with BRCA2-related conditions. ClinVar contains an entry for this variant (Variation ID: 489778).

Ambry Genetics
Classification: Uncertain significance for Hereditary cancer-predisposing syndrome. Last evaluated: 2019-09-27. Review status: criteria provided, single submitter. Criteria: Ambry Variant Classification Scheme 2023. Collection method: clinical testing. Allele origin: germline.
Comment: The p.L2357V variant (also known as c.7069C>G), located in coding exon 13 of the BRCA2 gene, results from a C to G substitution at nucleotide position 7069. The leucine at codon 2357 is replaced by valine, an amino acid with highly similar properties. This amino acid position is not well conserved in available vertebrate species. In addition, the in silico prediction for this alteration is inconclusive. Since supporting evidence is limited at this time, the clinical significance of this alteration remains unclear.